The following is an entry in ClinVar:

NM_022095.4(ZNF335):c.1665G>C (p.Pro555=)

Gene: ZNF335 (zinc finger protein 335; minus strand). Cytogenetic location: 20q13.12.
Variant type: single nucleotide variant.
Coding change: c.1665G>C on transcript NM_022095.4 (MANE Select); coding-DNA position 1665, G replaced by C.
Protein change: p.Pro555=; no amino-acid change (proline 555 retained).
Molecular consequence: synonymous variant.
Genome position (GRCh38, 1-based): chr20:45,960,864, C>G on the plus strand (G>C on the coding strand, the complement: ZNF335 is on the minus strand). VCF-style: chr20-45960864-C-G. GRCh37 (hg19) VCF-style: chr20-44589503-C-G.
Identifiers: ClinVar variation 1342535 (VCV001342535.2), dbSNP rs1201395437, ClinGen allele CA510658831.
Genomic context (GRCh38, chr20:45,960,864, plus strand): 5'-CTCACCCCCATAAACAACCCCCGGGCAGGTTCCCTTCCCAGGCCAGCACGCCAGACTCAC[C>G]GGATCTGGCCTCTTCTTCCTGTGGGGAAAAGGCCGAGGAATTAGACCAGAGCTTCCCCAA-3'
Protein context (NP_071378.1, residues 545-565): HSRDRKKRPD[Pro555=]TPKLSSFPCP

ClinVar aggregate classification (germline): Uncertain significance. Review status: criteria provided, multiple submitters, no conflicts (2 of 4 stars). 2 submissions from 2 submitters: Uncertain significance (2). Last evaluated 2025-12-02.

Conditions:
Microcephalic primordial dwarfism due to ZNF335 deficiency. Also called: Primary autosomal recessive microcephaly 10. Identifiers: Orphanet 329228, MedGen C3554499, MONDO:0014043, OMIM 615095.

gnomAD v4.1: 1 of 1,613,868 alleles (0.000062%); highest among the groups gnomAD compares: Non-Finnish European, 0.000085%; no homozygotes.

Submissions (2):

3billion
Classification: Uncertain significance for Microcephalic primordial dwarfism due to ZNF335 deficiency. Last evaluated: 2025-12-02. Review status: criteria provided, single submitter. Criteria: ACMG Guidelines, 2015. Collection method: clinical testing. Allele origin: germline. Affected: yes.
Comment: The variant is observed at an extremely low frequency in the gnomAD v4.1.0 dataset (total allele frequency: <0.001%). Predicted Consequence/Location: Synonymous variant In silico tools predict the variant to alter splicing and produce an abnormal transcript [SpliceAI: 0.30 (>=0.2, moderate evidence for spliceogenicity)]. The variant has been reported as of uncertain significance (ClinVar ID: VCV001342535). Therefore, this variant is classified as VUS according to the recommendation of ACMG/AMP guideline.

New York Genome Center
Classification: Uncertain significance for Microcephalic primordial dwarfism due to ZNF335 deficiency. Last evaluated: 2021-04-30. Review status: criteria provided, single submitter. Criteria: NYGC Assertion Criteria 2020. Collection method: clinical testing. Allele origin: inherited. Observed: 1 homozygote. Study: CSER-NYCKidSeq.